The following is an entry in ClinVar:

NM_000548.5(TSC2):c.3737_3738delinsGG (p.Asp1246Gly)

Gene: TSC2 (TSC complex subunit 2; plus strand). Cytogenetic location: 16p13.3.
Variant type: Indel.
Coding change: c.3737_3738delinsGG on transcript NM_000548.5 (MANE Select); coding-DNA positions 3737 to 3738, AC replaced by GG.
Protein change: p.Asp1246Gly; replaces aspartic acid 1246 with glycine.
Molecular consequence: missense variant.
Genome position (GRCh38, 1-based): chr16:2,081,721-2,081,722, AC replaced by GG. VCF-style: chr16-2081721-AC-GG. GRCh37 (hg19) VCF-style: chr16-2131722-AC-GG.
Other names: c.3734_3735delACinsGG, p.Asp1245Gly (NM_001406664.1, NM_001406663.1); c.3605_3606delinsGG, p.Asp1202Gly (NM_001077183.3, NM_001370404.1); c.3737_3738delinsGG, p.Asp1246Gly (NM_001114382.3); c.3497_3498delinsGG, p.Asp1166Gly (NM_001318827.2); c.3461_3462delinsGG, p.Asp1154Gly (NM_001318829.2); c.3005_3006delinsGG, p.Asp1002Gly (NM_001318831.2); c.3638_3639delinsGG, p.Asp1213Gly (NM_001318832.2); c.3608_3609delinsGG, p.Asp1203Gly (NM_001363528.2, NM_001370405.1, NM_021055.3); and 20 more; short protein forms D1003G, D1153G, D1165G, D1198G, D1203G, D755G, D1197G, D1199G.
Identifiers: ClinVar variation 1734428 (VCV001734428.2), dbSNP rs2544159163, ClinGen allele CA2580091029.

ClinVar aggregate classification (germline): Uncertain significance (1 of 4 stars; one submission).

Conditions:
Hereditary cancer-predisposing syndrome. Also called: Neoplastic Syndromes, Hereditary; Tumor predisposition; Hereditary Cancer Syndrome; Hereditary neoplastic syndrome. Identifiers: Orphanet 140162, MedGen C0027672, MeSH D009386, MONDO:0015356.

Submission:

Ambry Genetics
Classification: Uncertain significance for Hereditary cancer-predisposing syndrome. Last evaluated: 2020-09-11. Review status: criteria provided, single submitter. Criteria: Ambry Variant Classification Scheme 2023. Collection method: clinical testing. Allele origin: germline.
Comment: The c.3737_3738delACinsGG variant, located in coding exon 30 of the TSC2 gene, results from an in-frame deletion of AC and insertion of GG at nucleotide positions 3737 to 3738. This results in the substitution of the aspartic acid residue for a glycine residue at codon 1246, an amino acid with similar properties. This amino acid position is not well conserved in available vertebrate species. In addition, this alteration is predicted to be neutral by in silico analysis (Choi Y et al. PLoS ONE. 2012; 7(10):e46688). Since supporting evidence is limited at this time, the clinical significance of this alteration remains unclear.